The following is an entry in ClinVar:

NM_018713.3(SLC30A10):c.280T>G (p.Phe94Val)

Gene: SLC30A10 (solute carrier family 30 member 10; minus strand). Cytogenetic location: 1q41.
Variant type: single nucleotide variant.
Coding change: c.280T>G on transcript NM_018713.3 (MANE Select); coding-DNA position 280, T replaced by G.
Protein change: p.Phe94Val; replaces phenylalanine 94 with valine.
Molecular consequence: missense variant. On other transcripts: non-coding transcript variant (1), intron variant (1).
Genome position (GRCh38, 1-based): chr1:219,928,161, A>C on the plus strand (T>G on the coding strand, the complement: SLC30A10 is on the minus strand). VCF-style: chr1-219928161-A-C. GRCh37 (hg19) VCF-style: chr1-220101503-A-C.
Other names: p.Phe94Val; c.-434T>G (NM_001416005.1); c.452-1056T>G (NM_001376929.1); c.280T>G (NM_018713.2); short protein forms F94V.
Identifiers: ClinVar variation 2420403 (VCV002420403.3), dbSNP rs931668147, ClinGen allele CA344733958.

ClinVar aggregate classification (germline): Uncertain significance. Review status: criteria provided, multiple submitters, no conflicts (2 of 4 stars). 2 submissions from 2 submitters: Uncertain significance (2). Last evaluated 2023-09-26.

gnomAD v4.1: 17 of 1,560,598 alleles (0.0011%); highest among the groups gnomAD compares: Non-Finnish European, 0.0015%; no homozygotes.

Submissions (2):

Mayo Clinic Laboratories, Mayo Clinic
Classification: Uncertain significance. Last evaluated: 2023-09-26. Review status: criteria provided, single submitter. Criteria: ACMG Guidelines, 2015. Collection method: clinical testing. Allele origin: germline. Observed: 1 variant allele.

Labcorp Genetics (formerly Invitae), Labcorp
Classification: Uncertain significance. Last evaluated: 2022-06-24. Review status: criteria provided, single submitter. Criteria: Invitae Variant Classification Sherloc (09022015). Collection method: clinical testing. Allele origin: germline.
Comment: This sequence change replaces phenylalanine, which is neutral and non-polar, with valine, which is neutral and non-polar, at codon 94 of the SLC30A10 protein (p.Phe94Val). In summary, the available evidence is currently insufficient to determine the role of this variant in disease. Therefore, it has been classified as a Variant of Uncertain Significance. Algorithms developed to predict the effect of missense changes on protein structure and function are either unavailable or do not agree on the potential impact of this missense change (SIFT: "Tolerated"; PolyPhen-2: "Possibly Damaging"; Align-GVGD: "Class C0"). This variant has not been reported in the literature in individuals affected with SLC30A10-related conditions. This variant is present in population databases (no rsID available, gnomAD 0.002%).